The following is an entry in ClinVar:

NM_001374385.1(ATP8B1):c.628-20GT[2]

Gene: ATP8B1 (ATPase phospholipid transporting 8B1; minus strand). Cytogenetic location: 18q21.31.
Variant type: Microsatellite.
Coding change: c.628-20GT[2] on transcript NM_001374385.1 (MANE Select); two copies in a row of the 2-base unit GT starting at c.628-20; the reference has three copies in a row; one copy, 2 bases deleted.
Molecular consequence: intron variant.
Genome position (GRCh38, 1-based): chr18:57,697,703-57,697,704, AC deleted on the plus strand (GT on the coding strand, the reverse complement: ATP8B1 is on the minus strand); deleting any 2 consecutive bases within chr18:57,697,703-57,697,709 gives the same sequence; the position shown is the placement nearest the transcript's 3' end. VCF-style (leftmost placement, unchanged base first): chr18-57697702-AAC-A. GRCh37 (hg19) VCF-style: chr18-55364934-AAC-A.
Other names: c.628-20GT[2] (NM_005603.6); c.478-20GT[2] (NM_001374386.1); c.628-16_628-15delGT (NM_005603.4).
Identifiers: ClinVar variation 508302 (VCV000508302.1), dbSNP rs1555692860, ClinGen allele CA658799078.

ClinVar aggregate classification (germline): Likely benign (1 of 4 stars; one submission).

Submission:

GeneDx
Classification: Likely benign. Last evaluated: 2017-04-05. Review status: criteria provided, single submitter. Criteria: GeneDx Variant Classification (06012015). Collection method: clinical testing. Allele origin: germline. Affected: yes.
Comment: This variant is considered likely benign or benign based on one or more of the following criteria: it is a conservative change, it occurs at a poorly conserved position in the protein, it is predicted to be benign by multiple in silico algorithms, and/or has population frequency not consistent with disease.